The following is an entry in ClinVar:

NM_018076.5(ODAD2):c.2878G>A (p.Gly960Ser)

Gene: ODAD2 (outer dynein arm docking complex subunit 2; minus strand). Cytogenetic location: 10p12.1.
Variant type: single nucleotide variant.
Coding change: c.2878G>A on transcript NM_018076.5 (MANE Select); coding-DNA position 2878, G replaced by A.
Protein change: p.Gly960Ser; replaces glycine 960 with serine.
Molecular consequence: missense variant.
Genome position (GRCh38, 1-based): chr10:27,860,768, C>T on the plus strand (G>A on the coding strand, the complement: ODAD2 is on the minus strand). VCF-style: chr10-27860768-C-T. GRCh37 (hg19) VCF-style: chr10-28149697-C-T.
Other names: c.2878G>A, p.Gly960Ser (NM_001290020.2); c.1453G>A, p.Gly485Ser (NM_001290021.2); c.1954G>A, p.Gly652Ser (NM_001312689.2); short protein forms G485S, G652S, G960S.
Identifiers: ClinVar variation 4084594 (VCV004084594.8).

ClinVar aggregate classification (germline): Uncertain significance (1 of 4 stars; one submission).

gnomAD v4.1: 39 of 1,614,102 alleles (0.0024%); highest among the groups gnomAD compares: Non-Finnish European, 0.0023%; no homozygotes.

Submission:

CeGaT Center for Human Genetics Tuebingen
Classification: Uncertain significance. Last evaluated: 2025-07-01. Review status: criteria provided, single submitter. Criteria: CeGaT Center For Human Genetics Tuebingen Variant Classification Criteria Version 2. Collection method: clinical testing. Allele origin: germline. Affected: yes. Observed: 1 variant allele.
Comment: ODAD2: PM2